The following is an entry in ClinVar:

ClinVar aggregate classification (germline): Pathogenic (1 of 4 stars; one submission).

Conditions:
Parathyroid carcinoma (PRTC). Also called: CDC73-Related Parathyroid Carcinoma; Parathyroid gland carcinoma. Identifiers: Orphanet 143, MedGen C0687150, MONDO:0012004, OMIM 608266, HP:0006780.

Submission:

Labcorp Genetics (formerly Invitae), Labcorp
Classification: Pathogenic for Parathyroid carcinoma. Last evaluated: 2021-07-23. Review status: criteria provided, single submitter. Criteria: Invitae Variant Classification Sherloc (09022015). Collection method: clinical testing. Allele origin: germline.
Comment: This sequence change creates a premature translational stop signal (p.Leu114*) in the CDC73 gene. It is expected to result in an absent or disrupted protein product. Loss-of-function variants in CDC73 are known to be pathogenic (PMID: 12434154). This variant is not present in population databases (ExAC no frequency). This variant has not been reported in the literature in individuals affected with CDC73-related conditions. ClinVar contains an entry for this variant (Variation ID: 1072177). For these reasons, this variant has been classified as Pathogenic.

Literature cited by the submitters: PubMed 12434154.

NM_024529.5(CDC73):c.341T>A (p.Leu114Ter)

Gene: CDC73 (cell division cycle 73; plus strand). Cytogenetic location: 1q31.2.
Variant type: single nucleotide variant.
Coding change: c.341T>A on transcript NM_024529.5 (MANE Select); coding-DNA position 341, T replaced by A.
Protein change: p.Leu114Ter; replaces leucine 114 with a stop codon.
Molecular consequence: nonsense.
Genome position (GRCh38, 1-based): chr1:193,135,424, T>A. VCF-style: chr1-193135424-T-A. GRCh37 (hg19) VCF-style: chr1-193104554-T-A.
Other names: short protein forms L114*.
Identifiers: ClinVar variation 1072177 (VCV001072177.7), dbSNP rs2103121496, ClinGen allele CA343960416.